The following is an entry in ClinVar:

NM_014714.4(IFT140):c.3048C>T (p.Leu1016=)

Genes: IFT140 (intraflagellar transport 140; minus strand), LOC126862260 (CDK7 strongly-dependent group 2 enhancer GRCh37_chr16:1574508-1575707; plus strand). Cytogenetic location: 16p13.3.
Variant type: single nucleotide variant.
Coding change: c.3048C>T on transcript NM_014714.4 (MANE Select); coding-DNA position 3048, C replaced by T.
Protein change: p.Leu1016=; no amino-acid change (leucine 1016 retained).
Molecular consequence: synonymous variant.
Genome position (GRCh38, 1-based): chr16:1,524,645, G>A on the plus strand (C>T on the coding strand, the complement: IFT140 is on the minus strand). VCF-style: chr16-1524645-G-A. GRCh37 (hg19) VCF-style: chr16-1574646-G-A.
Other names: c.3048C>T (NM_014714.3).
Identifiers: ClinVar variation 1570755 (VCV001570755.10), dbSNP rs753196603, ClinGen allele CA7813347.

ClinVar aggregate classification (germline): Likely benign. Review status: criteria provided, multiple submitters, no conflicts (2 of 4 stars). 3 submissions from 3 submitters: Likely benign (3). Last evaluated 2026-07-08.

Conditions:
Saldino-Mainzer syndrome (SRTD9). Also called: SHORT-RIB THORACIC DYSPLASIA 9 WITHOUT POLYDACTYLY; Renal dysplasia, retinal pigmentary dystrophy, cerebellar ataxia and skeletal dysplasia; CONORENAL SYNDROME; short-rib thoracic dysplasia 9 with or without polydactyly. Identifiers: Orphanet 140969, MedGen C1849437, MONDO:0009964, OMIM 266920.
IFT140-related disorder. Also called: IFT140-related condition.

Allele frequency attached by ClinVar (database versions not stated): gnomAD 0.00001; gnomAD exomes 0.00001 and 0.00004; ExAC 0.00002; TOPMed 0.00002.
gnomAD v4.1: 63 of 1,588,140 alleles (0.004%); highest among the groups gnomAD compares: Non-Finnish European, 0.0052%; no homozygotes.

Submissions (3):

PreventionGenetics, part of Exact Sciences
Classification: Likely benign for IFT140-related condition. Last evaluated: 2026-07-08. Review status: criteria provided, single submitter. Criteria: ACMG Guidelines, 2015. Collection method: clinical testing. Allele origin: germline.
Comment: This variant is classified as likely benign based on ACMG/AMP sequence variant interpretation guidelines (Richards et al. 2015 PMID: 25741868, with internal and published modifications).

Blueprint Genetics
Classification: Likely benign. Last evaluated: 2024-10-24. Review status: criteria provided, single submitter. Criteria: ACMG Guidelines, 2015. Collection method: clinical testing. Allele origin: germline.

Labcorp Genetics (formerly Invitae), Labcorp
Classification: Likely benign for Saldino-Mainzer syndrome. Last evaluated: 2022-11-01. Review status: criteria provided, single submitter. Criteria: Invitae Variant Classification Sherloc (09022015). Collection method: clinical testing. Allele origin: germline.